The following is an entry in ClinVar:

ClinVar aggregate classification (germline): Uncertain significance (1 of 4 stars; one submission).

Conditions:
Inborn genetic diseases. Identifiers: MedGen C0950123, MeSH D030342.

Allele frequency attached by ClinVar (database versions not stated): TOPMed below 0.00001; ExAC 0.00001; gnomAD 0.00001; gnomAD exomes 0.00001.
gnomAD v4.1: 9 of 1,613,816 alleles (0.00056%); highest among the groups gnomAD compares: Non-Finnish European, 0.00068%; no homozygotes.

Submission:

Ambry Genetics
Classification: Uncertain significance for Inborn genetic diseases. Last evaluated: 2021-04-08. Review status: criteria provided, single submitter. Criteria: Ambry Variant Classification Scheme 2023. Collection method: clinical testing. Allele origin: germline.
Comment: The p.H649R variant (also known as c.1946A>G), located in coding exon 11 of the SH3TC2 gene, results from an A to G substitution at nucleotide position 1946. The histidine at codon 649 is replaced by arginine, an amino acid with highly similar properties. This amino acid position is not well conserved in available vertebrate species. In addition, this alteration is predicted to be tolerated by in silico analysis. Since supporting evidence is limited at this time, the clinical significance of this alteration remains unclear.

NM_024577.4(SH3TC2):c.1946A>G (p.His649Arg)

Gene: SH3TC2 (SH3 domain and tetratricopeptide repeats 2; minus strand). Cytogenetic location: 5q32.
Variant type: single nucleotide variant.
Coding change: c.1946A>G on transcript NM_024577.4 (MANE Select); coding-DNA position 1946, A replaced by G.
Protein change: p.His649Arg; replaces histidine 649 with arginine.
Molecular consequence: missense variant.
Genome position (GRCh38, 1-based): chr5:149,027,786, T>C on the plus strand (A>G on the coding strand, the complement: SH3TC2 is on the minus strand). VCF-style: chr5-149027786-T-C. GRCh37 (hg19) VCF-style: chr5-148407349-T-C.
Other names: short protein forms H649R.
Identifiers: ClinVar variation 1783126 (VCV001783126.2), dbSNP rs760422780, ClinGen allele CA3499085.